The following is an entry in ClinVar:

ClinVar aggregate classification (germline): Uncertain significance (1 of 4 stars; one submission).

Conditions:
Severe myoclonic epilepsy in infancy (DRVT). Also called: Dravet syndrome; Epileptic encephalopathy, early infantile, 6 (Dravet syndrome); SEVERE MYOCLONIC EPILEPSY OF INFANCY; DEVELOPMENTAL AND EPILEPTIC ENCEPHALOPATHY 6A; Severe Myoclonic Epilepsy in Infancy (SMEI). Identifiers: Orphanet 33069, MedGen C0751122, MONDO:0100135, OMIM 607208.

Submission:

3billion
Classification: Uncertain significance for Severe myoclonic epilepsy in infancy. Last evaluated: 2023-06-02. Review status: criteria provided, single submitter. Criteria: ACMG Guidelines, 2015. Collection method: clinical testing. Allele origin: germline. Affected: yes.
Comment: The variant is not observed in the gnomAD v2.1.1 dataset. Predicted Consequence/Location: Missense variant In silico tool predictions suggest damaging effect of the variant on gene or gene product (REVEL: 0.89; 3Cnet: 0.99). A different missense change at the same codon (p.Pro824His) has been reported to be associated with SCN1A related disorder (PMID: 35786744). However the evidence of pathogenicity is insufficient at this time. Therefore, this variant is classified as VUS according to the recommendation of ACMG/AMP guideline.

Literature cited by the submitters: PubMed 35786744.

NM_001165963.4(SCN1A):c.2470C>G (p.Pro824Ala)

Gene: SCN1A (sodium voltage-gated channel alpha subunit 1; minus strand). Cytogenetic location: 2q24.3.
Variant type: single nucleotide variant.
Coding change: c.2470C>G on transcript NM_001165963.4 (MANE Select); coding-DNA position 2470, C replaced by G.
Protein change: p.Pro824Ala; replaces proline 824 with alanine.
Molecular consequence: missense variant. On other transcripts: non-coding transcript variant (1).
Genome position (GRCh38, 1-based): chr2:166,039,542, G>C on the plus strand (C>G on the coding strand, the complement: SCN1A is on the minus strand). VCF-style: chr2-166039542-G-C. GRCh37 (hg19) VCF-style: chr2-166896052-G-C.
Other names: c.2386C>G, p.Pro796Ala (NM_001165964.3, NM_001353957.2, NM_001353958.2); c.2470C>G, p.Pro824Ala (NM_001202435.3, NM_001353948.2); c.2437C>G, p.Pro813Ala (NM_001353949.2, NM_001353950.2, NM_001353951.2 and 2 more transcripts); c.2434C>G, p.Pro812Ala (NM_001353954.2, NM_001353955.2); c.2383C>G, p.Pro795Ala (NM_001353960.2); c.28C>G, p.Pro10Ala (NM_001353961.2); short protein forms P10A, P795A, P796A, P812A, P813A, P824A.
Identifiers: ClinVar variation 3776159 (VCV003776159.1).